The following is an entry in ClinVar:

ClinVar aggregate classification (germline): Uncertain significance. Review status: criteria provided, multiple submitters, no conflicts (2 of 4 stars). 2 submissions from 2 submitters: Uncertain significance (2). Last evaluated 2025-08-03.

Conditions:
Cardiovascular phenotype. Identifiers: MedGen CN230736.
Brugada syndrome. Also called: Sudden Unexplained Death Syndrome; Sudden Unexplained Nocturnal Death Syndrome (SUNDS); Sudden unexpected nocturnal death syndrome; Sudden unexplained nocturnal death syndrome. Identifiers: Orphanet 130, MedGen C1142166, MONDO:0015263.

Allele frequency attached by ClinVar (database versions not stated): TOPMed below 0.00001; gnomAD 0.00001; gnomAD exomes 0.00001 and 0.00003.
gnomAD v4.1: 41 of 1,612,502 alleles (0.0025%); highest among the groups gnomAD compares: East Asian, 0.065%; no homozygotes.

Submissions (2):

Ambry Genetics
Classification: Uncertain significance for Cardiovascular phenotype. Last evaluated: 2025-08-03. Review status: criteria provided, single submitter. Criteria: Ambry Variant Classification Scheme 2023. Collection method: clinical testing. Allele origin: germline.

Labcorp Genetics (formerly Invitae), Labcorp
Classification: Uncertain significance for Brugada syndrome. Last evaluated: 2021-09-25. Review status: criteria provided, single submitter. Criteria: Invitae Variant Classification Sherloc (09022015). Collection method: clinical testing. Allele origin: germline.
Comment: This sequence change replaces proline with leucine at codon 550 of the SCN10A protein (p.Pro550Leu). The proline residue is weakly conserved and there is a moderate physicochemical difference between proline and leucine. This variant is not present in population databases (ExAC no frequency). This variant has not been reported in the literature in individuals affected with SCN10A-related conditions. Advanced modeling of protein sequence and biophysical properties (such as structural, functional, and spatial information, amino acid conservation, physicochemical variation, residue mobility, and thermodynamic stability) performed at Invitae indicates that this missense variant is not expected to disrupt SCN10A protein function. In summary, the available evidence is currently insufficient to determine the role of this variant in disease. Therefore, it has been classified as a Variant of Uncertain Significance.

NM_006514.4(SCN10A):c.1649C>T (p.Pro550Leu)

Gene: SCN10A (sodium voltage-gated channel alpha subunit 10; minus strand). Cytogenetic location: 3p22.2.
Variant type: single nucleotide variant.
Coding change: c.1649C>T on transcript NM_006514.4 (MANE Select); coding-DNA position 1649, C replaced by T.
Protein change: p.Pro550Leu; replaces proline 550 with leucine.
Molecular consequence: missense variant. On other transcripts: intron variant (1).
Genome position (GRCh38, 1-based): chr3:38,752,325, G>A on the plus strand (C>T on the coding strand, the complement: SCN10A is on the minus strand). VCF-style: chr3-38752325-G-A. GRCh37 (hg19) VCF-style: chr3-38793816-G-A.
Other names: c.1649C>T, p.Pro550Leu (NM_001293306.2); c.1462-2141C>T (NM_001293307.2); c.1649C>T (NM_006514.2); short protein forms P550L.
Identifiers: ClinVar variation 1359935 (VCV001359935.8), dbSNP rs1466610597, ClinGen allele CA352167293.
Genomic context (GRCh38, chr3:38,752,325, plus strand): 5'-TGGTGTTCATCTTCTCCATGCCTGGAGTCAGGGTTGCTGGGTTGAGGAAGAGGGCTTCTA[G>A]GGAGGGGGCCTTGCTGGCCAGCACCCCCACCCAGCAGCAGAGAGCCCCGATGGCTTTCGT-3'
Protein context (NP_006505.4, residues 540-560): GGGAGQQGPL[Pro550Leu]RSPLPQPSNP